The following is an entry in ClinVar:

ClinVar aggregate classification (germline): Uncertain significance (1 of 4 stars; one submission).

Conditions:
Hereditary cancer-predisposing syndrome. Also called: Tumor predisposition; Hereditary neoplastic syndrome; Hereditary Cancer Syndrome; Neoplastic Syndromes, Hereditary. Identifiers: Orphanet 140162, MedGen C0027672, MeSH D009386, MONDO:0015356.

Submission:

Ambry Genetics
Classification: Uncertain significance for Hereditary cancer-predisposing syndrome. Last evaluated: 2024-01-30. Review status: criteria provided, single submitter. Criteria: Ambry Variant Classification Scheme 2023. Collection method: clinical testing. Allele origin: germline.
Comment: The p.R1610G variant (also known as c.4828A>G), located in coding exon 31 of the ATM gene, results from an A to G substitution at nucleotide position 4828. The arginine at codon 1610 is replaced by glycine, an amino acid with dissimilar properties. This amino acid position is conserved. In addition, this alteration is predicted to be deleterious by in silico analysis. Based on the available evidence, the clinical significance of this alteration remains unclear.

NM_000051.4(ATM):c.4828A>G (p.Arg1610Gly)

Gene: ATM (ATM serine/threonine kinase; plus strand). Cytogenetic location: 11q22.3.
Variant type: single nucleotide variant.
Coding change: c.4828A>G on transcript NM_000051.4 (MANE Select); coding-DNA position 4828, A replaced by G.
Protein change: p.Arg1610Gly; replaces arginine 1610 with glycine.
Molecular consequence: missense variant.
Genome position (GRCh38, 1-based): chr11:108,294,978, A>G. VCF-style: chr11-108294978-A-G. GRCh37 (hg19) VCF-style: chr11-108165705-A-G.
Other names: c.4828A>G, p.Arg1610Gly (NM_001351834.2); short protein forms R1610G.
Identifiers: ClinVar variation 3221507 (VCV003221507.1), dbSNP rs2135835234, ClinGen allele CA382536759.